The following is an entry in ClinVar:

NM_032043.3(BRIP1):c.2114_2115dup (p.Glu706fs)

Gene: BRIP1 (BRCA1 interacting DNA helicase 1; minus strand). Cytogenetic location: 17q23.2.
Variant type: Duplication.
Coding change: c.2114_2115dup on transcript NM_032043.3 (MANE Select); coding-DNA positions 2114 to 2115, 2 bases duplicated (AA; older notation c.2114_2115dupAA).
Protein change: p.Glu706fs; shifts the reading frame from glutamic acid 706.
Molecular consequence: frameshift variant.
Genome position (GRCh38, 1-based): chr17:61,744,574-61,744,575, TT duplicated on the plus strand (AA on the coding strand, the reverse complement: BRIP1 is on the minus strand); duplicating any 2 consecutive bases within chr17:61,744,574-61,744,577 gives the same sequence; the c. name uses the placement nearest the transcript's 3' end. VCF-style (leftmost placement, unchanged base first): chr17-61744573-C-CTT. GRCh37 (hg19) VCF-style: chr17-59821934-C-CTT.
Other names: short protein forms E706fs.
Identifiers: ClinVar variation 3379256 (VCV003379256.1).

ClinVar aggregate classification (germline): Pathogenic (1 of 4 stars; one submission).

Conditions:
Familial cancer of breast. Also called: hereditary breast carcinoma; Hereditary breast cancer; BREAST CANCER, FAMILIAL. Identifiers: Orphanet 227535, MedGen C0346153, MONDO:0016419, OMIM 114480. Disease mechanism: loss of function.

Submission:

Myriad Genetics, Inc.
Classification: Pathogenic for Familial cancer of breast. Last evaluated: 2024-07-30. Review status: criteria provided, single submitter. Criteria: Myriad Autosomal Dominant, Autosomal Recessive and X-Linked Classification Criteria (2023). Collection method: clinical testing. Allele origin: unknown.
Comment: This variant is considered pathogenic. This variant creates a frameshift predicted to result in premature protein truncation.